The following is an entry in ClinVar:

ClinVar aggregate classification (germline): Uncertain significance (1 of 4 stars; one submission).

Allele frequency attached by ClinVar (database versions not stated): ExAC 0.00003; gnomAD 0.00001; TOPMed 0.00001; 1000 Genomes Project 30x 0.00016.
gnomAD v4.1: 16 of 1,614,174 alleles (0.00099%); highest among the groups gnomAD compares: East Asian, 0.0045%; no homozygotes.

Submission:

Labcorp Genetics (formerly Invitae), Labcorp
Classification: Uncertain significance. Last evaluated: 2025-05-25. Review status: criteria provided, single submitter. Criteria: Invitae Variant Classification Sherloc (09022015). Collection method: clinical testing. Allele origin: germline.
Comment: This sequence change replaces aspartic acid, which is acidic and polar, with glycine, which is neutral and non-polar, at codon 932 of the EFL1 protein (p.Asp932Gly). This variant is present in population databases (rs767964929, gnomAD 0.01%). This variant has not been reported in the literature in individuals affected with EFL1-related conditions. ClinVar contains an entry for this variant (Variation ID: 2912531). An algorithm developed to predict the effect of missense changes on protein structure and function outputs the following: PolyPhen-2: "Benign". The glycine amino acid residue is found in multiple mammalian species, which suggests that this missense change does not adversely affect protein function. In summary, the available evidence is currently insufficient to determine the role of this variant in disease. Therefore, it has been classified as a Variant of Uncertain Significance.

NM_024580.6(EFL1):c.2795A>G (p.Asp932Gly)

Gene: EFL1 (elongation factor like GTPase 1; minus strand). Cytogenetic location: 15q25.2.
Variant type: single nucleotide variant.
Coding change: c.2795A>G on transcript NM_024580.6 (MANE Select); coding-DNA position 2795, A replaced by G.
Protein change: p.Asp932Gly; replaces aspartic acid 932 with glycine.
Molecular consequence: missense variant. On other transcripts: non-coding transcript variant (1).
Genome position (GRCh38, 1-based): chr15:82,151,659, T>C on the plus strand (A>G on the coding strand, the complement: EFL1 is on the minus strand). VCF-style: chr15-82151659-T-C. GRCh37 (hg19) VCF-style: chr15-82444000-T-C.
Other names: c.2642A>G, p.Asp881Gly (NM_001040610.3); c.2006A>G, p.Asp669Gly (NM_001322844.2); c.2795A>G, p.Asp932Gly (NM_001322845.2); short protein forms D932G, D669G, D881G.
Identifiers: ClinVar variation 2912531 (VCV002912531.3), dbSNP rs767964929, ClinGen allele CA7697701.